The following is an entry in ClinVar:

ClinVar aggregate classification (germline): Pathogenic (1 of 4 stars; one submission).

Conditions:
Ehlers-Danlos syndrome due to tenascin-X deficiency (EDSCLL1). Also called: Ehlers-Danlos syndrome, classic-like, 1; EHLERS-DANLOS SYNDROME, CLASSIC-LIKE; TNXB-Related Classical-Like Ehlers-Danlos Syndrome; EDS DUE TO TNX DEFICIENCY; TNX DEFICIENCY. Identifiers: Orphanet 230839, MedGen C1848029, MONDO:0011670, OMIM 606408.

Submission:

Myriad Genetics, Inc.
Classification: Pathogenic for Ehlers-Danlos syndrome due to tenascin-X deficiency. Last evaluated: 2024-06-10. Review status: criteria provided, single submitter. Criteria: Myriad Autosomal Dominant, Autosomal Recessive and X-Linked Classification Criteria (2023). Collection method: clinical testing. Allele origin: unknown.
Comment: NM_019105.6(TNXB):c.1080G>A(W360*) is expected to be pathogenic in the context of classical-like Ehlers-Danlos syndrome, TNXB-related. This variant is predicted to lead to an abnormal or absent protein product due to the creation of a premature termination codon in TNXB, a gene where loss-of-function variants are known to be pathogenic. Please note: this variant was assessed in the context of healthy population screening.

NM_001365276.2(TNXB):c.1080G>A (p.Trp360Ter)

Gene: TNXB (tenascin XB; minus strand). Cytogenetic location: 6p21.33.
Variant type: single nucleotide variant.
Coding change: c.1080G>A on transcript NM_001365276.2 (MANE Select); coding-DNA position 1080, G replaced by A.
Protein change: p.Trp360Ter; replaces tryptophan 360 with a stop codon.
Molecular consequence: nonsense.
Genome position (GRCh38, 1-based): chr6:32,096,773, C>T on the plus strand (G>A on the coding strand, the complement: TNXB is on the minus strand). VCF-style: chr6-32096773-C-T. GRCh37 (hg19) VCF-style: chr6-32064550-C-T.
Other names: c.1080G>A, p.Trp360Ter (NM_001428335.1, NM_019105.8); short protein forms W360*.
Identifiers: ClinVar variation 5013162 (VCV005013162.1).